The following is an entry in ClinVar:

ClinVar aggregate classification (germline): Uncertain significance (1 of 4 stars; one submission).

Conditions:
Developmental and epileptic encephalopathy, 58. Also called: EPILEPTIC ENCEPHALOPATHY, EARLY INFANTILE, 58. Identifiers: MedGen C4693367, MONDO:0033367, OMIM 617830.

Submission:

Institute of Human Genetics, University of Leipzig Medical Center
Classification: Uncertain significance for Developmental and epileptic encephalopathy, 58. Last evaluated: 2026-01-13. Review status: criteria provided, single submitter. Criteria: ACMG Guidelines, 2015. Collection method: clinical testing. Allele origin: unknown. Affected: yes.
Comment: Criteria applied: PM1,PM2,PP3

NM_006180.6(NTRK2):c.2191_2193delinsGTA (p.Leu731Val)

Gene: NTRK2 (neurotrophic receptor tyrosine kinase 2; plus strand). Cytogenetic location: 9q21.33.
Variant type: Indel.
Coding change: c.2191_2193delinsGTA on transcript NM_006180.6 (MANE Select); coding-DNA positions 2191 to 2193, CTG replaced by GTA.
Protein change: p.Leu731Val; replaces leucine 731 with valine.
Molecular consequence: missense variant.
Genome position (GRCh38, 1-based): chr9:85,020,224-85,020,226, CTG replaced by GTA. VCF-style: chr9-85020224-CTG-GTA. GRCh37 (hg19) VCF-style: chr9-87635139-CTG-GTA.
Other names: c.2143_2145delinsGTA, p.Leu715Val (NM_001018064.3, NM_001369532.1, NM_001369533.1); c.2107_2109delinsGTA, p.Leu703Val (NM_001369534.1); c.1675_1677delinsGTA, p.Leu559Val (NM_001369535.1); c.1723_1725delinsGTA, p.Leu575Val (NM_001369536.1); short protein forms L559V, L575V, L703V, L715V, L731V.
Identifiers: ClinVar variation 4819109 (VCV004819109.1).